The following is an entry in ClinVar:

NM_000135.4(FANCA):c.2305C>T (p.Leu769Phe)

Gene: FANCA (FA complementation group A; minus strand). Cytogenetic location: 16q24.3.
Variant type: single nucleotide variant.
Coding change: c.2305C>T on transcript NM_000135.4 (MANE Select); coding-DNA position 2305, C replaced by T.
Protein change: p.Leu769Phe; replaces leucine 769 with phenylalanine.
Molecular consequence: missense variant.
Genome position (GRCh38, 1-based): chr16:89,770,177, G>A on the plus strand (C>T on the coding strand, the complement: FANCA is on the minus strand). VCF-style: chr16-89770177-G-A. GRCh37 (hg19) VCF-style: chr16-89836585-G-A.
Other names: c.2305C>T (LRG_495t1); c.2305C>T, p.Leu769Phe (NM_001286167.3); short protein forms L769F.
Identifiers: ClinVar variation 647356 (VCV000647356.10), dbSNP rs917707717, ClinGen allele CA286564841.

ClinVar aggregate classification (germline): Uncertain significance. Review status: criteria provided, multiple submitters, no conflicts (2 of 4 stars). 2 submissions from 2 submitters: Uncertain significance (2). Last evaluated 2024-12-09.

Conditions:
Fanconi anemia complementation group A (FANCA). Also called: FANCA-Related Fanconi Anemia; Fanconi anemia, group A. Identifiers: Orphanet 84, MedGen C3469521, MONDO:0009215, OMIM 227650.
Fanconi anemia (FA). Also called: Fanconi's anemia. Identifiers: Orphanet 84, MedGen C0015625, MeSH D005199, MONDO:0019391.

Allele frequency attached by ClinVar (database versions not stated): TOPMed 0.00002.
gnomAD v4.1: 5 of 1,590,854 alleles (0.00031%); highest among the groups gnomAD compares: African/African-American, 0.0067%; no homozygotes.

Submissions (2):

Labcorp Genetics (formerly Invitae), Labcorp
Classification: Uncertain significance for Fanconi anemia. Last evaluated: 2024-12-09. Review status: criteria provided, single submitter. Criteria: Invitae Variant Classification Sherloc (09022015). Collection method: clinical testing. Allele origin: germline.
Comment: This sequence change replaces leucine, which is neutral and non-polar, with phenylalanine, which is neutral and non-polar, at codon 769 of the FANCA protein (p.Leu769Phe). This variant is not present in population databases (gnomAD no frequency). This variant has not been reported in the literature in individuals affected with FANCA-related conditions. ClinVar contains an entry for this variant (Variation ID: 647356). Invitae Evidence Modeling of protein sequence and biophysical properties (such as structural, functional, and spatial information, amino acid conservation, physicochemical variation, residue mobility, and thermodynamic stability) has been performed for this missense variant. However, the output from this modeling did not meet the statistical confidence thresholds required to predict the impact of this variant on FANCA protein function. In summary, the available evidence is currently insufficient to determine the role of this variant in disease. Therefore, it has been classified as a Variant of Uncertain Significance.

Fulgent Genetics
Classification: Uncertain significance for Fanconi anemia complementation group A. Last evaluated: 2024-04-12. Review status: criteria provided, single submitter. Criteria: ACMG Guidelines, 2015. Collection method: clinical testing. Allele origin: germline.